The following continues an entry in ClinVar:

NM_000051.4(ATM):c.6095G>A (p.Arg2032Lys)

ClinVar aggregate classification (germline): Pathogenic/Likely pathogenic. Pathogenic (24); Likely pathogenic (4).

Submissions 21 to 34 of 34:

Institute of Human Genetics, University of Leipzig Medical Center
Classification: Likely pathogenic for Adenocarcinoma. Last evaluated: 2020-10-05. Review status: criteria provided, single submitter. Criteria: ACMG Guidelines, 2015. Collection method: clinical testing. Allele origin: unknown. Affected: yes.

Department of Molecular Diagnostics, Institute of Oncology Ljubljana
Classification: Likely pathogenic for Familial cancer of breast. Last evaluated: 2020-04-02. Review status: criteria provided, single submitter. Criteria: ACMG Guidelines, 2015. Collection method: clinical testing. Allele origin: germline. Affected: yes.

Department of Pathology and Laboratory Medicine, Sinai Health System
Classification: Pathogenic for ATM-related cancer predisposition. Last evaluated: 2020-03-31. Review status: criteria provided, single submitter. Criteria: ACMG Guidelines, 2015. Collection method: clinical testing. Allele origin: germline. Affected: no.

Fulgent Genetics
Classification: Pathogenic for Familial cancer of breast; Ataxia-telangiectasia syndrome. Last evaluated: 2018-10-31. Review status: criteria provided, single submitter. Criteria: ACMG Guidelines, 2015. Collection method: clinical testing. Allele origin: unknown.

Human Genome Sequencing Center Clinical Lab, Baylor College of Medicine
Classification: Pathogenic for Familial cancer of breast. Last evaluated: 2018-01-30. Review status: criteria provided, single submitter. Criteria: ACMG Guidelines, 2015. Collection method: clinical testing. Allele origin: germline.
Comment: This c.6095G>A (p.R2032K) variant in the ATM gene has been reported in multiple Ataxia-telangiectasia (AT) patients with significantly higher prevalence [PMID: 10980530, 15390180,16266405] than that observed as extremely low in general population according to gnomad database. This variant, in trans with other deleterious variants, has been reported in AT patients [PMID: 27159176, 25614872]. Functional studies showed that this mutant causes abnormal splicing and loss of expression of ATM proteins [PMID: 9887333, 10330348]. Multiple in silico predictions suggest this arginine to lysine is deleterious, while the c.6095G>A change might affect the splicing of messenger RNA as the last nucleotide on exon 41. Based upon above evidences, this c.6095G>A (p.R2032K) variant in the ATM gene is classified as pathogenic.

Women's Health and Genetics/Laboratory Corporation of America, LabCorp
Classification: Pathogenic for Ataxia-telangiectasia syndrome. Last evaluated: 2015-12-07. Review status: criteria provided, single submitter. Criteria: LabCorp Variant Classification Summary - May 2015. Collection method: clinical testing. Allele origin: germline.

Genesis Genomics
Classification: Likely pathogenic for Familial cancer of breast. Review status: criteria provided, single submitter. Criteria: ACMG Guidelines, 2015. Collection method: clinical testing. Allele origin: germline. Affected: yes. Observed: 1 variant allele.

University Health Network, Familial Cancer Clinic, Princess Margaret Cancer Centre
Classification: Pathogenic for ATM-related cancer predisposition. Review status: criteria provided, single submitter. Criteria: ACMG Guidelines, 2015. Collection method: clinical testing. Allele origin: germline. Inheritance: Autosomal dominant inheritance. Affected: no. Observed: 1 variant allele.

BRCAlab, Lund University
Classification: Pathogenic for Familial cancer of breast. Last evaluated: 2022-08-26. Review status: no assertion criteria provided. Collection method: clinical testing. Allele origin: germline. Affected: yes. Not counted in ClinVar's aggregate classification.

Laboratory for Genotyping Development, RIKEN
Classification: Pathogenic for Gastric cancer. Last evaluated: 2021-07-01. Review status: no assertion criteria provided. Collection method: research. Allele origin: germline. Not counted in ClinVar's aggregate classification.

CZECANCA consortium
Classification: Pathogenic for Carcinoma of pancreas. Last evaluated: 2021-03-04. Review status: no assertion criteria provided. Collection method: case-control. Allele origin: germline. Affected: yes. Observed: 1 variant allele. Not counted in ClinVar's aggregate classification.

Counsyl
Classification: Likely pathogenic for Ataxia-telangiectasia syndrome. Last evaluated: 2014-12-23. Review status: no assertion criteria provided. Collection method: literature only. Allele origin: unknown. Inheritance: Autosomal recessive inheritance. Not counted in ClinVar's aggregate classification.

Dr. Peter K. Rogan Lab, Western University
No classification provided (evidence only). Condition: Melanoma. Review status: no classification provided. Collection method: in vitro. Allele origin: not applicable. Functional consequence: skipped exon. Not counted in ClinVar's aggregate classification.

Medical Genetics Laboratory, Umraniye Training and Research Hospital, University of Health Sciences
Classification: Likely pathogenic for Breast carcinoma. Review status: no assertion criteria provided. Collection method: clinical testing. Allele origin: germline. Inheritance: Autosomal dominant inheritance. Affected: yes. Not counted in ClinVar's aggregate classification.

Literature cited by the submitters: PubMed 37563628 (cited by Center for Genomic Medicine, Rigshospitalet, Copenhagen University Hospital); PubMed 31921190 (cited by 3 submitters); PubMed 10330348 (cited by 7 submitters); PubMed 9887333 (cited by 8 submitters); PubMed 10980530 (cited by 6 submitters); PubMed 16266405 (cited by 8 submitters); PubMed 22585167 (cited by 5 submitters); PubMed 25614872 (cited by 6 submitters); PubMed 26506520 (cited by 6 submitters); PubMed 27159176 (cited by 4 submitters); PubMed 17576681 (cited by Labcorp Genetics (formerly Invitae), Labcorp); PubMed 9536098 (cited by Labcorp Genetics (formerly Invitae), Labcorp); PubMed 30772474 (cited by Natera, Inc. and Quest Diagnostics Nichols Institute San Juan Capistrano); PubMed 10817650 (cited by 3 submitters); PubMed 9443866 (cited by Color Diagnostics, LLC DBA Color Health); PubMed 29678143 (cited by Color Diagnostics, LLC DBA Color Health); PubMed 31012270 (cited by Color Diagnostics, LLC DBA Color Health); PubMed 34377931 (cited by Color Diagnostics, LLC DBA Color Health); PubMed 36029002 (cited by Color Diagnostics, LLC DBA Color Health); PubMed 37445923 (cited by Color Diagnostics, LLC DBA Color Health); PubMed 30426508 (cited by Quest Diagnostics Nichols Institute San Juan Capistrano); PubMed 20153123 (cited by Quest Diagnostics Nichols Institute San Juan Capistrano and Counsyl); PubMed 12810666 (cited by Women's Health and Genetics/Laboratory Corporation of America, LabCorp); PubMed 36988593 (cited by Laboratory for Genotyping Development, RIKEN); PubMed 15390180 (cited by Counsyl).